The following is an entry in ClinVar:

NM_145068.4(TRPV3):c.*3051A>G

Genes: SPATA22 (spermatogenesis associated 22; minus strand), TRPV3 (transient receptor potential cation channel subfamily V member 3; minus strand). Cytogenetic location: 17p13.2.
Variant type: single nucleotide variant.
Coding change: c.*3051A>G on transcript NM_145068.4 (MANE Select); 3051 bases downstream of the stop codon, A replaced by G.
Molecular consequence: 3 prime UTR variant. On other transcripts: intron variant (2).
Genome position (GRCh38, 1-based): chr17:3,510,866, T>C on the plus strand (A>G on the coding strand, the complement: TRPV3 is on the minus strand). VCF-style: chr17-3510866-T-C. GRCh37 (hg19) VCF-style: chr17-3414160-T-C.
Other names: c.*3051A>G (NM_001258205.2); c.-74+2546A>G (NM_001321336.2, NM_001321337.2).
Identifiers: ClinVar variation 322682 (VCV000322682.8), dbSNP rs2271158, ClinGen allele CA10649029.

ClinVar aggregate classification (germline): Benign. Review status: criteria provided, multiple submitters, no conflicts (2 of 4 stars). 2 submissions from 2 submitters: Benign (2). Last evaluated 2018-01-12.

Conditions:
Isolated focal non-epidermolytic palmoplantar keratoderma. Also called: Palmoplantar keratoderma, nonepidermolytic, focal 2. Identifiers: Orphanet 448264, MedGen C4225339, MONDO:0014622, OMIM 616400.

Allele frequency attached by ClinVar (database versions not stated): gnomAD 0.32973; TOPMed 0.33945; 1000 Genomes Project 30x 0.43114; gnomAD exomes 0.46154; 1000 Genomes Project 0.43431.
gnomAD v4.1: 52,713 of 152,278 alleles (35%); highest among the groups gnomAD compares: East Asian, 64%; 10,800 homozygotes.

Submissions (2):

Illumina Laboratory Services, Illumina
Classification: Benign for Isolated focal non-epidermolytic palmoplantar keratoderma. Last evaluated: 2018-01-12. Review status: criteria provided, single submitter. Criteria: ICSL Variant Classification Criteria 13 December 2019. Collection method: clinical testing. Allele origin: germline.
Comment: This variant was observed in the ICSL laboratory as part of a predisposition screen in an ostensibly healthy population. It had not been previously curated by ICSL or reported in the Human Gene Mutation Database (HGMD: prior to June 1st, 2018), and was therefore a candidate for classification through an automated scoring system. Utilizing variant allele frequency, disease prevalence and penetrance estimates, and inheritance mode, an automated score was calculated to assess if this variant is too frequent to cause the disease. Based on the score and internal cut-off values, a variant classified as benign is not then subjected to further curation. The score for this variant resulted in a classification of benign for this disease.

Breakthrough Genomics
Classification: Benign. Review status: criteria provided, single submitter. Criteria: ACMG Guidelines, 2015. Collection method: not provided. Allele origin: germline. Inheritance: Autosomal dominant inheritance. Affected: yes.